The following is an entry in ClinVar:

NM_001367624.2(ZNF469):c.11760C>A (p.His3920Gln)

Gene: ZNF469 (zinc finger protein 469; plus strand). Cytogenetic location: 16q24.2.
Variant type: single nucleotide variant.
Coding change: c.11760C>A on transcript NM_001367624.2 (MANE Select); coding-DNA position 11760, C replaced by A.
Protein change: p.His3920Gln; replaces histidine 3920 with glutamine.
Molecular consequence: missense variant.
Genome position (GRCh38, 1-based): chr16:88,439,230, C>A. VCF-style: chr16-88439230-C-A. GRCh37 (hg19) VCF-style: chr16-88505638-C-A.
Other names: NM_001127464.1:c.11676C>A; short protein forms H3920Q.
Identifiers: ClinVar variation 3476226 (VCV003476226.1).

ClinVar aggregate classification (germline): Uncertain significance (1 of 4 stars; one submission).

Conditions:
Cardiovascular phenotype. Identifiers: MedGen CN230736.

gnomAD v4.1: 1 of 1,550,504 alleles (0.000064%); highest among the groups gnomAD compares: South Asian, 0.0012%; no homozygotes.

Submission:

Ambry Genetics
Classification: Uncertain significance for Cardiovascular phenotype. Last evaluated: 2024-10-04. Review status: criteria provided, single submitter. Criteria: Ambry Variant Classification Scheme 2023. Collection method: clinical testing. Allele origin: germline.
Comment: The p.H3892Q variant (also known as c.11676C>A), located in coding exon 2 of the ZNF469 gene, results from a C to A substitution at nucleotide position 11676. The histidine at codon 3892 is replaced by glutamine, an amino acid with highly similar properties. This amino acid position is conserved. In addition, this alteration is predicted to be tolerated by in silico analysis. Based on the available evidence, the clinical significance of this variant remains unclear.